The following is an entry in ClinVar:

NM_001042492.3(NF1):c.4871_4872insC (p.Tyr1625fs)

Gene: NF1 (neurofibromin 1; plus strand). Cytogenetic location: 17q11.2.
Variant type: Insertion.
Coding change: c.4871_4872insC on transcript NM_001042492.3 (MANE Select); coding-DNA positions 4871 to 4872, C inserted.
Protein change: p.Tyr1625fs; shifts the reading frame from tyrosine 1625.
Molecular consequence: frameshift variant.
Genome position: GRCh38 VCF-style: chr17-31325855-T-TC. GRCh37 (hg19) VCF-style: chr17-29652873-T-TC.
Other names: c.4808_4809insC, p.Tyr1604Ilefs (NM_000267.4); short protein forms Y1625fs, Y1604fs.
Identifiers: ClinVar variation 2017229 (VCV002017229.4), dbSNP rs2508694334, ClinGen allele CA2580092928.

ClinVar aggregate classification (germline): Pathogenic (1 of 4 stars; one submission).

Conditions:
Neurofibromatosis, type 1 (NF1). Also called: Neurofibromatosis, type I; Peripheral type neurofibromatosis; VON RECKLINGHAUSEN DISEASE; NEUROFIBROMATOSIS, TYPE I, SOMATIC. Identifiers: Orphanet 636, MedGen C0027831, MONDO:0018975, OMIM 162200. Disease mechanism: loss of function.

Submission:

Labcorp Genetics (formerly Invitae), Labcorp
Classification: Pathogenic for Neurofibromatosis, type 1. Last evaluated: 2022-07-15. Review status: criteria provided, single submitter. Criteria: Invitae Variant Classification Sherloc (09022015). Collection method: clinical testing. Allele origin: germline.
Comment: For these reasons, this variant has been classified as Pathogenic. This variant has not been reported in the literature in individuals affected with NF1-related conditions. This variant is not present in population databases (gnomAD no frequency). This sequence change creates a premature translational stop signal (p.Tyr1604Ilefs*16) in the NF1 gene. It is expected to result in an absent or disrupted protein product. Loss-of-function variants in NF1 are known to be pathogenic (PMID: 10712197, 23913538).

Literature cited by the submitters: PubMed 10712197; PubMed 23913538.